The following is an entry in ClinVar:

NM_002224.4(ITPR3):c.4743C>T (p.Pro1581=)

Gene: ITPR3 (inositol 1,4,5-trisphosphate receptor type 3; plus strand). Cytogenetic location: 6p21.31.
Variant type: single nucleotide variant.
Coding change: c.4743C>T on transcript NM_002224.4 (MANE Select); coding-DNA position 4743, C replaced by T.
Protein change: p.Pro1581=; no amino-acid change (proline 1581 retained).
Molecular consequence: synonymous variant.
Genome position (GRCh38, 1-based): chr6:33,683,352, C>T. VCF-style: chr6-33683352-C-T. GRCh37 (hg19) VCF-style: chr6-33651129-C-T.
Identifiers: ClinVar variation 1293580 (VCV001293580.4), dbSNP rs942636, ClinGen allele CA3761327.
Genomic context (GRCh38, chr6:33,683,352, plus strand): 5'-CGCCCAGCGGAACGCCTCCAGCTACAAGGCAACCACGCGGGCCTTCCCCCGCGTCACCCC[C>T]ACCGCCAACCAGTGGGACTACAAGAACATCATTGAGAAGCTGCAGGTGGGTGTGGGGCTG-3'
Protein context (NP_002215.2, residues 1571-1591): ATTRAFPRVT[Pro1581=]TANQWDYKNI

ClinVar aggregate classification (germline): Benign. Review status: criteria provided, single submitter (1 of 4 stars). 2 submissions from 2 submitters: Benign (1). 1 of the submissions does not count toward it. Last evaluated 2021-05-04.

Conditions:
ITPR3-related disorder. Also called: ITPR3-related condition.

Allele frequency attached by ClinVar (database versions not stated): ESP Exome Variant Server 0.16751; gnomAD exomes 0.17740 and 0.20753; TOPMed 0.18721; 1000 Genomes Project 0.18870; gnomAD 0.18982 and 0.19022; 1000 Genomes Project 30x 0.19285; ExAC 0.29918.
gnomAD v4.1: 284,214 of 1,593,846 alleles (18%); highest among the groups gnomAD compares: Admixed American, 31%; 26,778 homozygotes.

Submissions (2):

GeneDx
Classification: Benign. Last evaluated: 2021-05-04. Review status: criteria provided, single submitter. Criteria: GeneDx Variant Classification Process June 2021. Collection method: clinical testing. Allele origin: germline. Affected: yes.

PreventionGenetics, part of Exact Sciences
Classification: Benign for ITPR3-related condition. Last evaluated: 2019-10-18. Review status: no assertion criteria provided. Collection method: clinical testing. Allele origin: germline. Not counted in ClinVar's aggregate classification.
Comment: This variant is classified as benign based on ACMG/AMP sequence variant interpretation guidelines (Richards et al. 2015 PMID: 25741868, with internal and published modifications).